The following is an entry in ClinVar:

NM_024665.7(TBL1XR1):c.1518+5G>A

Gene: TBL1XR1 (TBL1X/Y related 1; minus strand). Cytogenetic location: 3q26.32.
Variant type: single nucleotide variant.
Coding change: c.1518+5G>A on transcript NM_024665.7 (MANE Select); 5 bases into the intron after coding-DNA position 1518, G replaced by A.
Molecular consequence: intron variant.
Genome position (GRCh38, 1-based): chr3:177,026,368, C>T on the plus strand (G>A on the coding strand, the complement: TBL1XR1 is on the minus strand). VCF-style: chr3-177026368-C-T. GRCh37 (hg19) VCF-style: chr3-176744156-C-T.
Other names: NC_000003.11:g.176744156C>T; c.1518+5G>A (NM_001374327.1, NM_001321194.3, NM_001321193.3 and 2 more transcripts); c.1257+5G>A (NM_001374330.1, NM_001321195.3).
Identifiers: ClinVar variation 4523982 (VCV004523982.2).

ClinVar aggregate classification (germline): Uncertain significance (1 of 4 stars; one submission).

Submissions (2):

GeneDx
Classification: Uncertain significance. Last evaluated: 2025-05-05. Review status: criteria provided, single submitter. Criteria: GeneDx Variant Classification Process June 2021. Collection method: clinical testing. Allele origin: germline. Affected: yes.
Comment: Intronic +5 splice site variant in a gene for which loss of function is a known mechanism of disease, and both splice predictors and evolutionary conservation support a deleterious effect, although in the absence of functional evidence the actual effect of this sequence change is unknown.; Not observed at significant frequency in large population cohorts (gnomAD); Has not been previously published as pathogenic or benign to our knowledge

Dr. Peter K. Rogan Lab, Western University
No classification provided (evidence only). Condition: Ovarian serous cystadenocarcinoma. Review status: no classification provided. Collection method: in vitro. Allele origin: not applicable. Functional consequence: retained intron. Not counted in ClinVar's aggregate classification.